The following is an entry in ClinVar:

ClinVar aggregate classification (germline): Uncertain significance (1 of 4 stars; one submission).

Conditions:
Autosomal dominant nonsyndromic hearing loss 1. Also called: KONIGSMARK SYNDROME; DEAFNESS, AUTOSOMAL DOMINANT 1, WITH OR WITHOUT THROMBOCYTOPENIA. Identifiers: Orphanet 90635, MedGen C1852282, MONDO:0007424, OMIM 124900.
Progressive microcephaly-seizures-cortical blindness-developmental delay syndrome. Also called: Seizures, cortical blindness, and microcephaly syndrome. Identifiers: Orphanet 477814, MedGen C5567650, MONDO:0014714, OMIM 616632.

Submission:

Labcorp Genetics (formerly Invitae), Labcorp
Classification: Uncertain significance for Progressive microcephaly-seizures-cortical blindness-developmental delay syndrome; Autosomal dominant nonsyndromic hearing loss 1. Last evaluated: 2024-03-07. Review status: criteria provided, single submitter. Criteria: Invitae Variant Classification Sherloc (09022015). Collection method: clinical testing. Allele origin: germline.
Comment: This sequence change falls in intron 14 of the DIAPH1 gene. It does not directly change the encoded amino acid sequence of the DIAPH1 protein. This variant is not present in population databases (gnomAD no frequency). This variant has not been reported in the literature in individuals affected with DIAPH1-related conditions. Algorithms developed to predict the effect of sequence changes on RNA splicing suggest that this variant may disrupt the consensus splice site. In summary, the available evidence is currently insufficient to determine the role of this variant in disease. Therefore, it has been classified as a Variant of Uncertain Significance.

NM_005219.5(DIAPH1):c.1461+8T>G

Gene: DIAPH1 (diaphanous related formin 1; minus strand). Cytogenetic location: 5q31.3.
Variant type: single nucleotide variant.
Coding change: c.1461+8T>G on transcript NM_005219.5 (MANE Select); 8 bases into the intron after coding-DNA position 1461, T replaced by G.
Molecular consequence: intron variant.
Genome position (GRCh38, 1-based): chr5:141,576,222, A>C on the plus strand (T>G on the coding strand, the complement: DIAPH1 is on the minus strand). VCF-style: chr5-141576222-A-C. GRCh37 (hg19) VCF-style: chr5-140955789-A-C.
Other names: c.1434+8T>G (NM_001079812.3); c.1461+8T>G (NM_001314007.2).
Identifiers: ClinVar variation 3755159 (VCV003755159.2).